The following is an entry in ClinVar:

ClinVar aggregate classification (germline): Uncertain significance. Review status: criteria provided, multiple submitters, no conflicts (2 of 4 stars). 2 submissions from 2 submitters: Uncertain significance (2). Last evaluated 2025-06-25.

Conditions:
Oligodontia-cancer predisposition syndrome. Also called: TOOTH AGENESIS-COLORECTAL CANCER SYNDROME. Identifiers: Orphanet 300576, MedGen C1837750, MONDO:0012075, OMIM 608615. Disease mechanism: loss of function.
Hereditary cancer-predisposing syndrome. Also called: Neoplastic Syndromes, Hereditary; Tumor predisposition; Hereditary neoplastic syndrome; Hereditary Cancer Syndrome. Identifiers: Orphanet 140162, MedGen C0027672, MeSH D009386, MONDO:0015356.

Allele frequency attached by ClinVar (database versions not stated): TOPMed 0.00001.
gnomAD v4.1: 1 of 1,609,386 alleles (0.000062%); highest among the groups gnomAD compares: Admixed American, 0.0017%; no homozygotes.

Submissions (2):

Labcorp Genetics (formerly Invitae), Labcorp
Classification: Uncertain significance for Oligodontia-cancer predisposition syndrome. Last evaluated: 2025-06-25. Review status: criteria provided, single submitter. Criteria: Invitae Variant Classification Sherloc (09022015). Collection method: clinical testing. Allele origin: germline.
Comment: This sequence change replaces leucine, which is neutral and non-polar, with valine, which is neutral and non-polar, at codon 487 of the AXIN2 protein (p.Leu487Val). This variant is present in population databases (no rsID available, gnomAD 0.003%). This variant has not been reported in the literature in individuals affected with AXIN2-related conditions. ClinVar contains an entry for this variant (Variation ID: 2451649). An algorithm developed to predict the effect of missense changes on protein structure and function (PolyPhen-2) suggests that this variant is likely to be tolerated. In summary, the available evidence is currently insufficient to determine the role of this variant in disease. Therefore, it has been classified as a Variant of Uncertain Significance.

Ambry Genetics
Classification: Uncertain significance for Hereditary cancer-predisposing syndrome. Last evaluated: 2022-12-17. Review status: criteria provided, single submitter. Criteria: Ambry Variant Classification Scheme 2023. Collection method: clinical testing. Allele origin: germline.
Comment: The p.L487V variant (also known as c.1459C>G), located in coding exon 5 of the AXIN2 gene, results from a C to G substitution at nucleotide position 1459. The leucine at codon 487 is replaced by valine, an amino acid with highly similar properties. This amino acid position is conserved. In addition, this alteration is predicted to be tolerated by in silico analysis. Since supporting evidence is limited at this time, the clinical significance of this alteration remains unclear.

NM_004655.4(AXIN2):c.1459C>G (p.Leu487Val)

Gene: AXIN2 (axin 2; minus strand). Cytogenetic location: 17q24.1.
Variant type: single nucleotide variant.
Coding change: c.1459C>G on transcript NM_004655.4 (MANE Select); coding-DNA position 1459, C replaced by G.
Protein change: p.Leu487Val; replaces leucine 487 with valine.
Molecular consequence: missense variant.
Genome position (GRCh38, 1-based): chr17:65,537,577, G>C on the plus strand (C>G on the coding strand, the complement: AXIN2 is on the minus strand). VCF-style: chr17-65537577-G-C. GRCh37 (hg19) VCF-style: chr17-63533695-G-C.
Other names: c.1459C>G, p.Leu487Val (NM_001363813.1); short protein forms L487V.
Identifiers: ClinVar variation 2451649 (VCV002451649.3), dbSNP rs754204017, ClinGen allele CA400677457.